The following is an entry in ClinVar:

ClinVar aggregate classification (germline): Likely benign (1 of 4 stars; one submission).

Allele frequency attached by ClinVar (database versions not stated): gnomAD exomes below 0.00001.

Submission:

CeGaT Center for Human Genetics Tuebingen
Classification: Likely benign. Last evaluated: 2024-01-01. Review status: criteria provided, single submitter. Criteria: CeGaT Center For Human Genetics Tuebingen Variant Classification Criteria Version 2. Collection method: clinical testing. Allele origin: germline. Affected: yes. Observed: 1 variant allele.
Comment: PRR27: PM2:Supporting, BP4, BP7

NM_214711.4(PRR27):c.462T>A (p.Val154=)

Gene: PRR27 (proline rich 27; plus strand). Cytogenetic location: 4q13.3.
Variant type: single nucleotide variant.
Coding change: c.462T>A on transcript NM_214711.4 (MANE Select); coding-DNA position 462, T replaced by A.
Protein change: p.Val154=; no amino-acid change (valine 154 retained).
Molecular consequence: synonymous variant.
Genome position (GRCh38, 1-based): chr4:70,158,714, T>A. VCF-style: chr4-70158714-T-A. GRCh37 (hg19) VCF-style: chr4-71024431-T-A.
Identifiers: ClinVar variation 3025950 (VCV003025950.22), dbSNP rs1728557817, ClinGen allele CA439939838.